The following is an entry in ClinVar:

NM_206926.2(SELENON):c.301+656C>T

Gene: SELENON (selenoprotein N; plus strand). Cytogenetic location: 1p36.11.
Variant type: single nucleotide variant.
Coding change: c.301+656C>T on transcript NM_206926.2 (MANE Select); 656 bases into the intron after coding-DNA position 301, C replaced by T.
Molecular consequence: intron variant.
Genome position (GRCh38, 1-based): chr1:25,801,816, C>T. VCF-style: chr1-25801816-C-T. GRCh37 (hg19) VCF-style: chr1-26128307-C-T.
Other names: c.302-200C>T (NM_020451.3).
Identifiers: ClinVar variation 669828 (VCV000669828.2), dbSNP rs10902683, ClinGen allele CA10802529.
Genomic context (GRCh38, chr1:25,801,816, plus strand): 5'-CTTTAAACCTCACAGTAGCCCTGGGAGATGGACACTGTCATGATCCCCATGTTTAATAGT[C>T]TGAGAGACTAAGGCACAGGCAGGCTCCCCAGTTTCCCAAGCTAGAAAGGTGCGGAGCCAG-3'

ClinVar aggregate classification (germline): Benign. Review status: criteria provided, multiple submitters, no conflicts (2 of 4 stars). 2 submissions from 2 submitters: Benign (2). Last evaluated 2018-06-14.

Allele frequency attached by ClinVar (database versions not stated): gnomAD 0.85751 and 0.85975; TOPMed 0.87411; 1000 Genomes Project 0.92412; 1000 Genomes Project 30x 0.92583.
gnomAD v4.1: 130,956 of 152,204 alleles (86%); highest among the groups gnomAD compares: East Asian, 98%; 56,874 homozygotes.

Submissions (2):

GeneDx
Classification: Benign. Last evaluated: 2018-06-14. Review status: criteria provided, single submitter. Criteria: GeneDx Variant Classification (06012015). Collection method: clinical testing. Allele origin: germline. Affected: yes.
Comment: This variant is considered likely benign or benign based on one or more of the following criteria: it is a conservative change, it occurs at a poorly conserved position in the protein, it is predicted to be benign by multiple in silico algorithms, and/or has population frequency not consistent with disease.

Breakthrough Genomics
Classification: Benign. Review status: criteria provided, single submitter. Criteria: ACMG Guidelines, 2015. Collection method: not provided. Allele origin: germline. Inheritance: Autosomal recessive inheritance. Affected: yes.